The following is an entry in ClinVar:

ClinVar aggregate classification (germline): Uncertain significance (1 of 4 stars; one submission).

Allele frequency attached by ClinVar (database versions not stated): gnomAD exomes below 0.00001.
gnomAD v4.1: 1 of 1,614,080 alleles (0.000062%); highest among the groups gnomAD compares: Non-Finnish European, 0.000085%; no homozygotes.

Submission:

Labcorp Genetics (formerly Invitae), Labcorp
Classification: Uncertain significance. Last evaluated: 2021-07-01. Review status: criteria provided, single submitter. Criteria: Invitae Variant Classification Sherloc (09022015). Collection method: clinical testing. Allele origin: germline.
Comment: This sequence change replaces serine with arginine at codon 1101 of the CYFIP2 protein (p.Ser1101Arg). The serine residue is highly conserved and there is a moderate physicochemical difference between serine and arginine. This variant is not present in population databases (ExAC no frequency). This variant has not been reported in the literature in individuals affected with CYFIP2-related conditions. Algorithms developed to predict the effect of missense changes on protein structure and function are either unavailable or do not agree on the potential impact of this missense change (SIFT: "Tolerated"; PolyPhen-2: "Not Available"; Align-GVGD: "Class C0"). In summary, the available evidence is currently insufficient to determine the role of this variant in disease. Therefore, it has been classified as a Variant of Uncertain Significance.

NM_001037333.3(CYFIP2):c.3303C>A (p.Ser1101Arg)

Genes: CYFIP2 (cytoplasmic FMR1 interacting protein 2; plus strand), NIPAL4-DT (NIPAL4 divergent transcript; minus strand). Cytogenetic location: 5q33.3.
Variant type: single nucleotide variant.
Coding change: c.3303C>A on transcript NM_001037333.3 (MANE Select); coding-DNA position 3303, C replaced by A.
Protein change: p.Ser1101Arg; replaces serine 1101 with arginine.
Molecular consequence: missense variant.
Genome position (GRCh38, 1-based): chr5:157,389,284, C>A. VCF-style: chr5-157389284-C-A. GRCh37 (hg19) VCF-style: chr5-156816292-C-A.
Other names: c.3225C>A, p.Ser1075Arg (NM_001291721.2); c.3378C>A, p.Ser1126Arg (NM_001291722.2); c.3303C>A, p.Ser1101Arg (NM_014376.4); short protein forms S1101R, S1126R, S1075R.
Identifiers: ClinVar variation 1425240 (VCV001425240.8), dbSNP rs2113550092, ClinGen allele CA361982095.